The following is an entry in ClinVar:

ClinVar aggregate classification (germline): Uncertain significance. Review status: criteria provided, multiple submitters, no conflicts (2 of 4 stars). 3 submissions from 3 submitters: Uncertain significance (3). Last evaluated 2023-03-12.

Conditions:
Autosomal recessive ataxia, Beauce type. Also called: Spinocerebellar ataxia, autosomal recessive 8; ATAXIA, RECESSIVE, OF BEAUCE; SYNE1-Related Autosomal Recessive Cerebellar Ataxia; SYNE1 Deficiency. Identifiers: Orphanet 88644, MedGen C1853116, MONDO:0012549, OMIM 610743.
Emery-Dreifuss muscular dystrophy 4, autosomal dominant (EDMD4). Also called: EMERY-DREIFUSS MUSCULAR DYSTROPHY 4 WITH VARIABLE FEATURES. Identifiers: Orphanet 261, MedGen C2751807, MONDO:0013071, OMIM 612998.

Allele frequency attached by ClinVar (database versions not stated): ExAC 0.00001; gnomAD 0.00001; gnomAD exomes 0.00001; TOPMed 0.00001; ESP Exome Variant Server 0.00008.
gnomAD v4.1: 11 of 1,614,014 alleles (0.00068%); highest among the groups gnomAD compares: African/African-American, 0.0013%; no homozygotes.

Submissions (3):

Labcorp Genetics (formerly Invitae), Labcorp
Classification: Uncertain significance for Emery-Dreifuss muscular dystrophy 4, autosomal dominant; Autosomal recessive ataxia, Beauce type. Last evaluated: 2023-03-12. Review status: criteria provided, single submitter. Criteria: Invitae Variant Classification Sherloc (09022015). Collection method: clinical testing. Allele origin: germline.
Comment: In summary, the available evidence is currently insufficient to determine the role of this variant in disease. Therefore, it has been classified as a Variant of Uncertain Significance. An algorithm developed to predict the effect of missense changes on protein structure and function (PolyPhen-2) suggests that this variant is likely to be disruptive. ClinVar contains an entry for this variant (Variation ID: 282177). This variant has not been reported in the literature in individuals affected with SYNE1-related conditions. This variant is present in population databases (rs371489057, gnomAD 0.0009%). This sequence change replaces serine, which is neutral and polar, with proline, which is neutral and non-polar, at codon 6179 of the SYNE1 protein (p.Ser6179Pro).

Revvity Omics, Revvity
Classification: Uncertain significance. Last evaluated: 2019-05-08. Review status: criteria provided, single submitter. Criteria: ACMG Guidelines, 2015. Collection method: clinical testing. Allele origin: germline.

Eurofins Ntd Llc (ga)
Classification: Uncertain significance. Last evaluated: 2015-07-24. Review status: criteria provided, single submitter. Criteria: EGL Classification Definitions 2015. Collection method: clinical testing. Allele origin: germline. Observed: 1 variant allele, 1 heterozygote.

NM_182961.4(SYNE1):c.18748T>C (p.Ser6250Pro)

Gene: SYNE1 (spectrin repeat containing nuclear envelope protein 1; minus strand). Cytogenetic location: 6q25.2.
Variant type: single nucleotide variant.
Coding change: c.18748T>C on transcript NM_182961.4 (MANE Select); coding-DNA position 18748, T replaced by C.
Protein change: p.Ser6250Pro; replaces serine 6250 with proline.
Molecular consequence: missense variant.
Genome position (GRCh38, 1-based): chr6:152,268,123, A>G on the plus strand (T>C on the coding strand, the complement: SYNE1 is on the minus strand). VCF-style: chr6-152268123-A-G. GRCh37 (hg19) VCF-style: chr6-152589258-A-G.
Other names: c.18535T>C (NM_033071.3); c.18535T>C, p.Ser6179Pro (NM_033071.5); short protein forms S6179P, S6250P.
Identifiers: ClinVar variation 282177 (VCV000282177.13), dbSNP rs371489057, ClinGen allele CA4054866.